The following is an entry in ClinVar:

ClinVar aggregate classification (germline): Pathogenic/Likely pathogenic. Review status: criteria provided, multiple submitters, no conflicts (2 of 4 stars). 3 submissions from 3 submitters: Pathogenic (1); Likely pathogenic (2). Last evaluated 2026-01-19.

Conditions:
Hereditary cancer-predisposing syndrome. Also called: Neoplastic Syndromes, Hereditary; Tumor predisposition; Hereditary neoplastic syndrome; Hereditary Cancer Syndrome. Identifiers: Orphanet 140162, MedGen C0027672, MeSH D009386, MONDO:0015356.
DICER1-related tumor predisposition. Also called: DICER1-related pleuropulmonary blastoma cancer predisposition syndrome; DICER1 syndrome. Identifiers: Orphanet 284343, MedGen C3839822, MONDO:0100216.

Submissions (3):

Labcorp Genetics (formerly Invitae), Labcorp
Classification: Pathogenic for DICER1-related tumor predisposition. Last evaluated: 2026-01-19. Review status: criteria provided, single submitter. Criteria: Invitae Variant Classification Sherloc (09022015). Collection method: clinical testing. Allele origin: germline.
Comment: This sequence change affects an acceptor splice site in intron 21 of the DICER1 gene. RNA analysis indicates that disruption of this splice site induces altered splicing and may result in an absent or altered protein product. This variant is not present in population databases (gnomAD no frequency). This variant has not been reported in the literature in individuals affected with DICER1-related conditions. ClinVar contains an entry for this variant (Variation ID: 690476). Studies have shown that disruption of this splice site results in activation of a cryptic splice site, and produces a non-functional protein and/or introduces a premature termination codon (internal data). For these reasons, this variant has been classified as Pathogenic.

Ambry Genetics
Classification: Likely pathogenic for Hereditary cancer-predisposing syndrome. Last evaluated: 2019-03-19. Review status: criteria provided, single submitter. Criteria: Ambry Variant Classification Scheme 2023. Collection method: clinical testing. Allele origin: germline.
Comment: The c.4051-1G>A intronic variant results from a G to A substitution one nucleotide upstream from coding exon 21 of the DICER1 gene. This nucleotide position is highly conserved in available vertebrate species. Using the BDGP and ESEfinder splice site prediction tools, this alteration is predicted to abolish the native splice acceptor site; however, direct evidence is unavailable. Alterations that disrupt the canonical splice site are expected to cause aberrant splicing, resulting in an abnormal protein or a transcript that is subject to nonsense-mediated mRNA decay. As such, this alteration is classified as likely pathogenic.

PreventionGenetics, part of Exact Sciences
Classification: Likely pathogenic. Last evaluated: 2016-12-27. Review status: criteria provided, single submitter. Criteria: ACMG Guidelines, 2015. Collection method: clinical testing. Allele origin: germline.

NM_177438.3(DICER1):c.4051-1G>A

Gene: DICER1 (dicer 1, ribonuclease III; minus strand). Cytogenetic location: 14q32.13.
Variant type: single nucleotide variant.
Coding change: c.4051-1G>A on transcript NM_177438.3 (MANE Select); the canonical splice acceptor site of the intron before coding-DNA position 4051, G replaced by A.
Molecular consequence: splice acceptor variant.
Genome position (GRCh38, 1-based): chr14:95,099,936, C>T on the plus strand (G>A on the coding strand, the complement: DICER1 is on the minus strand). VCF-style: chr14-95099936-C-T. GRCh37 (hg19) VCF-style: chr14-95566273-C-T.
Other names: c.4051-1G>A (NM_001291628.2, NM_030621.4, NM_001395677.1 and 12 more transcripts); c.3646-1G>A (NM_001395690.1, NM_001395687.1, NM_001395689.1 and 2 more transcripts); c.3769-1G>A (NM_001395686.1); c.3484-1G>A (NM_001395691.1); c.2368-1G>A (NM_001395697.1).
Identifiers: ClinVar variation 690476 (VCV000690476.10), dbSNP rs1595354013, ClinGen allele CA390872365.